The following is an entry in ClinVar:

ClinVar aggregate classification (germline): Uncertain significance (1 of 4 stars; one submission).

Conditions:
Hereditary cancer-predisposing syndrome. Also called: Neoplastic Syndromes, Hereditary; Tumor predisposition; Hereditary neoplastic syndrome; Hereditary Cancer Syndrome. Identifiers: Orphanet 140162, MedGen C0027672, MeSH D009386, MONDO:0015356.

Submission:

Ambry Genetics
Classification: Uncertain significance for Hereditary cancer-predisposing syndrome. Last evaluated: 2025-04-20. Review status: criteria provided, single submitter. Criteria: Ambry Variant Classification Scheme 2023. Collection method: clinical testing. Allele origin: germline.
Comment: The p.E873A variant (also known as c.2618A>C), located in coding exon 10 of the MET gene, results from an A to C substitution at nucleotide position 2618. The glutamic acid at codon 873 is replaced by alanine, an amino acid with dissimilar properties. This amino acid position is conserved. In addition, this alteration is predicted to be tolerated by in silico analysis. Based on the available evidence, the clinical significance of this variant remains unclear.

NM_000245.4(MET):c.2564A>C (p.Glu855Ala)

Gene: MET (MET proto-oncogene, receptor tyrosine kinase; plus strand). Cytogenetic location: 7q31.2.
Variant type: single nucleotide variant.
Coding change: c.2564A>C on transcript NM_000245.4 (MANE Select); coding-DNA position 2564, A replaced by C.
Protein change: p.Glu855Ala; replaces glutamic acid 855 with alanine.
Molecular consequence: missense variant.
Genome position (GRCh38, 1-based): chr7:116,763,249, A>C. VCF-style: chr7-116763249-A-C. GRCh37 (hg19) VCF-style: chr7-116403303-A-C.
Other names: c.2618A>C, p.Glu873Ala (NM_001127500.3); c.2564A>C, p.Glu855Ala (NM_001324401.3); c.1274A>C, p.Glu425Ala (NM_001324402.2); short protein forms E855A, E873A, E425A.
Identifiers: ClinVar variation 4053901 (VCV004053901.1).